The following is an entry in ClinVar:

NM_000218.3(KCNQ1):c.343G>A (p.Glu115Lys)

Gene: KCNQ1 (potassium voltage-gated channel subfamily Q member 1; plus strand). Cytogenetic location: 11p15.5.
Variant type: single nucleotide variant.
Coding change: c.343G>A on transcript NM_000218.3 (MANE Select); coding-DNA position 343, G replaced by A.
Protein change: p.Glu115Lys; replaces glutamic acid 115 with lysine.
Molecular consequence: missense variant.
Genome position (GRCh38, 1-based): chr11:2,445,441, G>A. VCF-style: chr11-2445441-G-A. GRCh37 (hg19) VCF-style: chr11-2466671-G-A.
Other names: p.E115K:GAG>AAG; short protein forms E115K.
Identifiers: ClinVar variation 200879 (VCV000200879.8), dbSNP rs794728553, ClinGen allele CA006828.
Genomic context (GRCh38, chr11:2,445,441, plus strand): 5'-AGCACGCGCCGCCCGGTGTTGGCGCGCACCCACGTCCAGGGCCGCGTCTACAACTTCCTC[G>A]AGCGTCCCACCGGCTGGAAATGCTTCGTTTACCACTTCGCCGTGTGAGTATCGCCACCGG-3'
Protein context (NP_000209.2, residues 105-125): HVQGRVYNFL[Glu115Lys]RPTGWKCFVY

ClinVar aggregate classification (germline): Conflicting classifications of pathogenicity. Review status: criteria provided, conflicting classifications (1 of 4 stars). 2 submissions from 2 submitters: Likely pathogenic (1); Uncertain significance (1). Last evaluated 2024-12-17.

Conditions:
Long QT syndrome (LQTS). Identifiers: MedGen C0023976, MeSH D008133, MONDO:0002442. Disease mechanism: loss of function. Inheritance: Various modes of inheritance.

Allele frequency attached by ClinVar (database versions not stated): TOPMed below 0.00001; gnomAD 0.00001.
gnomAD v4.1: 1 of 1,597,438 alleles (0.000063%); highest among the groups gnomAD compares: African/African-American, 0.0013%; no homozygotes.

Submissions (2):

Labcorp Genetics (formerly Invitae), Labcorp
Classification: Uncertain significance for Long QT syndrome. Last evaluated: 2024-12-17. Review status: criteria provided, single submitter. Criteria: Invitae Variant Classification Sherloc (09022015). Collection method: clinical testing. Allele origin: germline.
Comment: This sequence change replaces glutamic acid, which is acidic and polar, with lysine, which is basic and polar, at codon 115 of the KCNQ1 protein (p.Glu115Lys). This variant is not present in population databases (gnomAD no frequency). This missense change has been observed in individual(s) with long QT syndrome (internal data). ClinVar contains an entry for this variant (Variation ID: 200879). Invitae Evidence Modeling of protein sequence and biophysical properties (such as structural, functional, and spatial information, amino acid conservation, physicochemical variation, residue mobility, and thermodynamic stability) indicates that this missense variant is expected to disrupt KCNQ1 protein function with a positive predictive value of 95%. This variant disrupts the p.Glu115 amino acid residue in KCNQ1. Other variant(s) that disrupt this residue have been observed in individuals with KCNQ1-related conditions (internal data), which suggests that this may be a clinically significant amino acid residue. In summary, the available evidence is currently insufficient to determine the role of this variant in disease. Therefore, it has been classified as a Variant of Uncertain Significance.

GeneDx
Classification: Likely pathogenic. Last evaluated: 2023-11-20. Review status: criteria provided, single submitter. Criteria: GeneDx Variant Classification Process June 2021. Collection method: clinical testing. Allele origin: germline. Affected: yes.
Comment: Has not been previously published as pathogenic or benign to our knowledge; Not observed in large population cohorts (gnomAD); In silico analysis supports that this missense variant has a deleterious effect on protein structure/function